The following is an entry in ClinVar:

ClinVar aggregate classification (germline): Likely pathogenic (1 of 4 stars; one submission).

Conditions:
GM1 gangliosidosis. Identifiers: Orphanet 354, MedGen C0085131, MONDO:0018149.
Mucopolysaccharidosis, MPS-IV-B (MPS4B). Also called: MORQUIO SYNDROME B; Mucopolysaccharidosis Type IVB (Morquio B Disease); Mucopolysaccharidosis type 4B; Mucopolysaccharidosis type IVB (Morquio); MPS IVB; Mucopolysaccharidosis type IV B. Identifiers: Orphanet 309310, Orphanet 582, MedGen C0086652, MONDO:0009660, OMIM 253010.

Allele frequency attached by ClinVar (database versions not stated): TOPMed 0.00001.

Submission:

Labcorp Genetics (formerly Invitae), Labcorp
Classification: Likely pathogenic for Mucopolysaccharidosis, MPS-IV-B; GM1 gangliosidosis. Last evaluated: 2021-03-09. Review status: criteria provided, single submitter. Criteria: Invitae Variant Classification Sherloc (09022015). Collection method: clinical testing. Allele origin: germline.
Comment: This sequence change replaces tyrosine with serine at codon 591 of the GLB1 protein (p.Tyr591Ser). The tyrosine residue is highly conserved and there is a large physicochemical difference between tyrosine and serine. This variant is not present in population databases (ExAC no frequency). This variant has not been reported in the literature in individuals with GLB1-related conditions. Advanced modeling of protein sequence and biophysical properties (such as structural, functional, and spatial information, amino acid conservation, physicochemical variation, residue mobility, and thermodynamic stability) performed at Invitae indicates that this missense variant is expected to disrupt GLB1 protein function. This variant disrupts the p.Tyr591 amino acid residue in GLB1. Other variant(s) that disrupt this residue have been determined to be pathogenic (PMID: 10737981). This suggests that this residue is clinically significant, and that variants that disrupt this residue are likely to be disease-causing. In summary, the currently available evidence indicates that the variant is pathogenic, but additional data are needed to prove that conclusively. Therefore, this variant has been classified as Likely Pathogenic.

Literature cited by the submitters: PubMed 10737981.

NM_000404.4(GLB1):c.1772A>C (p.Tyr591Ser)

Gene: GLB1 (galactosidase beta 1; minus strand). Cytogenetic location: 3p22.3.
Variant type: single nucleotide variant.
Coding change: c.1772A>C on transcript NM_000404.4 (MANE Select); coding-DNA position 1772, A replaced by C.
Protein change: p.Tyr591Ser; replaces tyrosine 591 with serine.
Molecular consequence: missense variant. On other transcripts: intron variant (1).
Genome position (GRCh38, 1-based): chr3:32,997,307, T>G on the plus strand (A>C on the coding strand, the complement: GLB1 is on the minus strand). VCF-style: chr3-32997307-T-G. GRCh37 (hg19) VCF-style: chr3-33038799-T-G.
Other names: c.1682A>C, p.Tyr561Ser (NM_001079811.3); c.1379A>C, p.Tyr460Ser (NM_001135602.3); c.1916A>C, p.Tyr639Ser (NM_001317040.2); c.1734+16749A>C (NM_001393580.1); short protein forms Y591S, Y639S, Y561S, Y460S.
Identifiers: ClinVar variation 1472090 (VCV001472090.8), dbSNP rs72555371, ClinGen allele CA72667244.
Genomic context (GRCh38, chr3:32,997,307, plus strand): 5'-GAGGTCATCAGGATGTGCTGGGGCACAAACAAGGTCAACTGAGGGCCCCGGGCTGGCCAA[T>G]AGCGGCCAAGGTTAAAGCCATTAATCCAGACCTGGCCCTGGAGAGAGAGAGACAGAGAAC-3'
Protein context (NP_000395.3, residues 581-601): VWINGFNLGR[Tyr591Ser]WPARGPQLTL